The following is an entry in ClinVar:

ClinVar aggregate classification (germline): Uncertain significance. Review status: criteria provided, multiple submitters, no conflicts (2 of 4 stars). 2 submissions from 2 submitters: Uncertain significance (2). Last evaluated 2025-12-01.

Allele frequency attached by ClinVar (database versions not stated): ESP Exome Variant Server 0.00008; ExAC 0.00016; TOPMed 0.00022; gnomAD 0.00024; gnomAD exomes 0.00035.
gnomAD v4.1: 541 of 1,613,972 alleles (0.034%); highest among the groups gnomAD compares: Non-Finnish European, 0.042%; 2 homozygotes.

Submissions (2):

Labcorp Genetics (formerly Invitae), Labcorp
Classification: Uncertain significance. Last evaluated: 2025-12-01. Review status: criteria provided, single submitter. Criteria: Invitae Variant Classification Sherloc (09022015). Collection method: clinical testing. Allele origin: germline.
Comment: This sequence change replaces glycine, which is neutral and non-polar, with serine, which is neutral and polar, at codon 445 of the TRAP1 protein (p.Gly445Ser). This variant is present in population databases (rs367761010, gnomAD 0.03%). This variant has not been reported in the literature in individuals affected with TRAP1-related conditions. ClinVar contains an entry for this variant (Variation ID: 2082862). Invitae Evidence Modeling of protein sequence and biophysical properties (such as structural, functional, and spatial information, amino acid conservation, physicochemical variation, residue mobility, and thermodynamic stability) indicates that this missense variant is not expected to disrupt TRAP1 protein function with a negative predictive value of 80%. In summary, the available evidence is currently insufficient to determine the role of this variant in disease. Therefore, it has been classified as a Variant of Uncertain Significance.

Ambry Genetics
Classification: Uncertain significance. Last evaluated: 2024-03-31. Review status: criteria provided, single submitter. Criteria: Ambry Variant Classification Scheme 2023. Collection method: clinical testing. Allele origin: germline.

NM_016292.3(TRAP1):c.1333G>A (p.Gly445Ser)

Gene: TRAP1 (TNF receptor associated protein 1; minus strand). Cytogenetic location: 16p13.3.
Variant type: single nucleotide variant.
Coding change: c.1333G>A on transcript NM_016292.3 (MANE Select); coding-DNA position 1333, G replaced by A.
Protein change: p.Gly445Ser; replaces glycine 445 with serine.
Molecular consequence: missense variant.
Genome position (GRCh38, 1-based): chr16:3,666,021, C>T on the plus strand (G>A on the coding strand, the complement: TRAP1 is on the minus strand). VCF-style: chr16-3666021-C-T. GRCh37 (hg19) VCF-style: chr16-3716022-C-T.
Other names: c.1174G>A, p.Gly392Ser (NM_001272049.2); short protein forms G392S, G445S.
Identifiers: ClinVar variation 2082862 (VCV002082862.6), dbSNP rs367761010, ClinGen allele CA7868149.